The following is an entry in ClinVar:

ClinVar aggregate classification (germline): Uncertain significance (1 of 4 stars; one submission).

Allele frequency attached by ClinVar (database versions not stated): gnomAD exomes below 0.00001; ExAC 0.00001.

Submission:

Labcorp Genetics (formerly Invitae), Labcorp
Classification: Uncertain significance. Last evaluated: 2023-08-10. Review status: criteria provided, single submitter. Criteria: Invitae Variant Classification Sherloc (09022015). Collection method: clinical testing. Allele origin: germline.
Comment: This variant is present in population databases (rs376271713, gnomAD 0.003%). This sequence change replaces glutamine with arginine at codon 94 of the ARMC9 protein (p.Gln94Arg). The glutamine residue is moderately conserved and there is a small physicochemical difference between glutamine and arginine. This variant has not been reported in the literature in individuals affected with ARMC9-related conditions. ClinVar contains an entry for this variant (Variation ID: 1485974). Experimental studies and prediction algorithms are not available or were not evaluated, and the functional significance of this variant is currently unknown. In summary, the available evidence is currently insufficient to determine the role of this variant in disease. Therefore, it has been classified as a Variant of Uncertain Significance.

NM_001352754.2(ARMC9):c.281A>G (p.Gln94Arg)

Gene: ARMC9 (armadillo repeat containing 9; plus strand). Cytogenetic location: 2q37.1.
Variant type: single nucleotide variant.
Coding change: c.281A>G on transcript NM_001352754.2 (MANE Select); coding-DNA position 281, A replaced by G.
Protein change: p.Gln94Arg; replaces glutamine 94 with arginine.
Molecular consequence: missense variant. On other transcripts: non-coding transcript variant (1).
Genome position (GRCh38, 1-based): chr2:231,214,934, A>G. VCF-style: chr2-231214934-A-G. GRCh37 (hg19) VCF-style: chr2-232079647-A-G.
Other names: c.281A>G, p.Gln94Arg (NM_001271466.4, NM_001291656.2, NM_001352755.2 and 5 more transcripts); short protein forms Q94R.
Identifiers: ClinVar variation 1485974 (VCV001485974.6), dbSNP rs376271713, ClinGen allele CA2159892.